The following is an entry in ClinVar:

NM_001374736.1(DST):c.20698G>T (p.Val6900Phe)

Gene: DST (dystonin; minus strand). Cytogenetic location: 6p12.1.
Variant type: single nucleotide variant.
Coding change: c.20698G>T on transcript NM_001374736.1 (MANE Select); coding-DNA position 20698, G replaced by T.
Protein change: p.Val6900Phe; replaces valine 6900 with phenylalanine.
Molecular consequence: missense variant.
Genome position (GRCh38, 1-based): chr6:56,492,286, C>A on the plus strand (G>T on the coding strand, the complement: DST is on the minus strand). VCF-style: chr6-56492286-C-A. GRCh37 (hg19) VCF-style: chr6-56357084-C-A.
Other names: c.14341G>T, p.Val4781Phe (NM_001144769.5); c.13927G>T, p.Val4643Phe (NM_001144770.2); c.20698G>T, p.Val6900Phe (NM_001374722.1); c.19738G>T, p.Val6580Phe (NM_001374729.1); c.13480G>T, p.Val4494Phe (NM_001374730.1); c.20725G>T, p.Val6909Phe (NM_001374734.1); c.13807G>T, p.Val4603Phe (NM_001386100.1, NM_183380.4); c.12829G>T, p.Val4277Phe (NM_015548.5); short protein forms V4603F, V4643F, V4277F, V4494F, V4781F, V6909F, V6580F, V6900F.
Identifiers: ClinVar variation 1425036 (VCV001425036.4), dbSNP rs775592381, ClinGen allele CA139186709.
Genomic context (GRCh38, chr6:56,492,286, plus strand): 5'-CCTGCTTGGCTCTCTTCCTTGCATCATCCAAAGATCTTCCTCTCTCTACCAACCGTTGAA[C>A]CACTTTTTCCCATCGACTTTGTACACTGATAAGTAGATTCTTGATTAGAACAACATCTTG-3'
Protein context (NP_001361665.1, residues 6890-6910): ISVQSRWEKV[Val6900Phe]QRLVERGRSL

ClinVar aggregate classification (germline): Uncertain significance (1 of 4 stars; one submission).

Conditions:
Hereditary sensory and autonomic neuropathy type 6. Also called: Neuropathy, hereditary sensory and autonomic, type VI; HSAN VI. Identifiers: Orphanet 314381, MedGen C3539003, MONDO:0013839, OMIM 614653.
Epidermolysis bullosa simplex 3, localized or generalized intermediate, with BP230 deficiency (EBS3). Also called: Epidermolysis bullosa simplex due to BP230 deficiency; Epidermolysis bullosa simplex, autosomal recessive 2. Identifiers: Orphanet 412181, MedGen C3809470, MONDO:0014180, OMIM 615425.

Allele frequency attached by ClinVar (database versions not stated): gnomAD 0.00002; gnomAD exomes 0.00002 and 0.00003; TOPMed 0.00003.
gnomAD v4.1: 41 of 1,613,720 alleles (0.0025%); highest among the groups gnomAD compares: Non-Finnish European, 0.0032%; no homozygotes.

Submission:

Labcorp Genetics (formerly Invitae), Labcorp
Classification: Uncertain significance for Epidermolysis bullosa simplex 3, localized or generalized intermediate, with BP230 deficiency; Hereditary sensory and autonomic neuropathy type 6. Last evaluated: 2024-02-11. Review status: criteria provided, single submitter. Criteria: Invitae Variant Classification Sherloc (09022015). Collection method: clinical testing. Allele origin: germline.
Comment: The DST gene has multiple clinically relevant transcripts. This variant occurs in alternate transcript NM_015548.4, and corresponds to NM_001723.5:c.*123231G>T in the primary transcript. This sequence change replaces valine, which is neutral and non-polar, with phenylalanine, which is neutral and non-polar, at codon 4277 of the DST protein (p.Val4277Phe). This variant is present in population databases (rs775592381, gnomAD 0.004%). This variant has not been reported in the literature in individuals affected with DST-related conditions. Experimental studies and prediction algorithms are not available or were not evaluated, and the functional significance of this variant is currently unknown. In summary, the available evidence is currently insufficient to determine the role of this variant in disease. Therefore, it has been classified as a Variant of Uncertain Significance.